The following is an entry in ClinVar:

ClinVar aggregate classification (germline): Pathogenic. Review status: criteria provided, multiple submitters, no conflicts (2 of 4 stars). 2 submissions from 2 submitters: Pathogenic (2). Last evaluated 2025-09-04.

Conditions:
Cardiomyopathy (CMYO). Also called: Cardiomyopathies. Identifiers: Orphanet 167848, MedGen C0878544, MONDO:0004994, HP:0001638. Inheritance: Various modes of inheritance.

Submissions (2):

Color Diagnostics, LLC DBA Color Health
Classification: Pathogenic for Cardiomyopathy. Last evaluated: 2025-09-04. Review status: criteria provided, single submitter. Criteria: ACMG Guidelines, 2015. Collection method: clinical testing. Allele origin: germline.
Comment: This variant changes 1 nucleotide in exon 29 of the MYBPC3 gene, creating a premature translation stop signal. This variant is expected to result in an absent or non-functional protein product. To our knowledge, this variant has not been reported in individuals affected with MYBPC3-related disorders in the literature. This variant has not been identified in the general population by the Genome Aggregation Database (gnomAD). Loss of MYBPC3 function is a known mechanism of disease. Based on the available evidence, this variant is classified as Pathogenic.

GeneDx
Classification: Pathogenic. Last evaluated: 2014-10-16. Review status: criteria provided, single submitter. Criteria: GeneDx Variant Classification (06012015). Collection method: clinical testing. Allele origin: germline. Affected: yes.
Comment: This mutation is denoted p.Trp1007Ter (TGG>TGA): c.3021 G>A in exon 29 of the MYBPC3 gene (NM_000256.3). The W1007X mutation in the MYBPC3 gene has not been reported as a disease-causing mutation or as a benign polymorphism to our knowledge. W1007X is predicted to cause loss of normal protein function either by protein truncation or nonsense-mediated mRNA decay. Other nonsense mutations in the MYBPC3 gene have been reported in association with HCM. Furthermore, the W1007X mutation was not observed in approximately 6,300 individuals of European and African American ancestry in the NHLBI Exome Sequencing Project, indicating it is not a common benign variant in these populations. In summary, W1007X in the MYBPC3 gene is interpreted as a disease-causing mutation. The variant is found in HCM panel(s).

NM_000256.3(MYBPC3):c.3021G>A (p.Trp1007Ter)

Gene: MYBPC3 (myosin binding protein C3; minus strand). Cytogenetic location: 11p11.2.
Variant type: single nucleotide variant.
Coding change: c.3021G>A on transcript NM_000256.3 (MANE Select); coding-DNA position 3021, G replaced by A.
Protein change: p.Trp1007Ter; replaces tryptophan 1007 with a stop codon.
Molecular consequence: nonsense.
Genome position (GRCh38, 1-based): chr11:47,333,726, C>T on the plus strand (G>A on the coding strand, the complement: MYBPC3 is on the minus strand). VCF-style: chr11-47333726-C-T. GRCh37 (hg19) VCF-style: chr11-47355277-C-T.
Other names: p.W1007*:TGG>TGA; c.3021G>A, p.Trp1007Ter (LRG_386t1); short protein forms W1007*.
Identifiers: ClinVar variation 181135 (VCV000181135.3), dbSNP rs730880701, ClinGen allele CA013344.